The following is an entry in ClinVar:

ClinVar aggregate classification (germline): Conflicting classifications of pathogenicity. Review status: criteria provided, conflicting classifications (1 of 4 stars). 4 submissions from 4 submitters: Uncertain significance (3); Likely benign (1). Last evaluated 2026-04-20.

Conditions:
Hereditary cancer-predisposing syndrome. Also called: Hereditary Cancer Syndrome; Tumor predisposition; Hereditary neoplastic syndrome; Neoplastic Syndromes, Hereditary. Identifiers: Orphanet 140162, MedGen C0027672, MeSH D009386, MONDO:0015356.
Multiple endocrine neoplasia, type 1 (MEN1). Also called: Endocrine adenomatosis multiple; MEN 1; MEA I; MEN I; WERMER SYNDROME. Identifiers: Orphanet 652, MedGen C0025267, MeSH D018761, MONDO:0007540, OMIM 131100.

Allele frequency attached by ClinVar (database versions not stated): ExAC 0.00001; gnomAD exomes 0.00001.

Submissions (4):

Ambry Genetics
Classification: Uncertain significance for Hereditary cancer-predisposing syndrome. Last evaluated: 2026-04-20. Review status: criteria provided, single submitter. Criteria: Ambry Variant Classification Scheme 2023. Collection method: clinical testing. Allele origin: germline.
Comment: The p.A237V variant (also known as c.710C>T), located in coding exon 3 of the MEN1 gene, results from a C to T substitution at nucleotide position 710. The alanine at codon 237 is replaced by valine, an amino acid with similar properties. This amino acid position is highly conserved in available vertebrate species. In addition, this alteration is predicted to be deleterious by in silico analysis. Based on the available evidence, the clinical significance of this alteration remains unclear.

Labcorp Genetics (formerly Invitae), Labcorp
Classification: Likely benign for Multiple endocrine neoplasia, type 1. Last evaluated: 2025-08-29. Review status: criteria provided, single submitter. Criteria: Invitae Variant Classification Sherloc (09022015). Collection method: clinical testing. Allele origin: germline.

Color Diagnostics, LLC DBA Color Health
Classification: Uncertain significance for Multiple endocrine neoplasia, type 1. Last evaluated: 2024-01-30. Review status: criteria provided, single submitter. Criteria: ACMG Guidelines, 2015. Collection method: clinical testing. Allele origin: germline.
Comment: This missense variant replaces alanine with valine at codon 237 of the MEN1 protein. Computational prediction suggests that this variant may have deleterious impact on protein structure and function. To our knowledge, functional studies have not been reported for this variant. This variant has not been reported in individuals affected with MEN1-related disorders in the literature. This variant has been identified in 2/251374 chromosomes in the general population by the Genome Aggregation Database (gnomAD). The available evidence is insufficient to determine the role of this variant in disease conclusively. Therefore, this variant is classified as a Variant of Uncertain Significance.

Baylor Genetics
Classification: Uncertain significance for Multiple Endocrine Neoplasia Type 1. Last evaluated: 2023-10-26. Review status: criteria provided, single submitter. Criteria: ACMG Guidelines, 2015. Collection method: clinical testing. Allele origin: unknown.

NM_001370259.2(MEN1):c.710C>T (p.Ala237Val)

Gene: MEN1 (menin 1; minus strand). Cytogenetic location: 11q13.1.
Variant type: single nucleotide variant.
Coding change: c.710C>T on transcript NM_001370259.2 (MANE Select); coding-DNA position 710, C replaced by T.
Protein change: p.Ala237Val; replaces alanine 237 with valine.
Molecular consequence: missense variant.
Genome position (GRCh38, 1-based): chr11:64,807,625, G>A on the plus strand (C>T on the coding strand, the complement: MEN1 is on the minus strand). VCF-style: chr11-64807625-G-A. GRCh37 (hg19) VCF-style: chr11-64575097-G-A.
Other names: c.725C>T, p.Ala242Val (NM_000244.4, NM_130800.3, NM_130801.3 and 3 more transcripts); c.710C>T, p.Ala237Val (NM_001370251.2, NM_001370260.2, NM_001370261.2 and 1 more transcripts); c.605C>T, p.Ala202Val (NM_001370262.2, NM_001370263.2); short protein forms A237V, A242V, A202V.
Identifiers: ClinVar variation 403803 (VCV000403803.16), dbSNP rs760289964, ClinGen allele CA061467.
Genomic context (GRCh38, chr11:64,807,625, plus strand): 5'-AGAAGCTCCAGCGAGTCGGTGTGCAGGTCAATGGAAGGGTTGATGGCACACACCATGAAC[G>A]CCACCTCCATCTTGCGGTCACAGCGCATGTATGATCCTTTCAGGTACAGCCAGCTCTTAG-3'
Protein context (NP_001357188.2, residues 227-247): YMRCDRKMEV[Ala237Val]FMVCAINPSI